The following is an entry in ClinVar:

ClinVar aggregate classification (germline): Uncertain significance (1 of 4 stars; one submission).

Conditions:
Imerslund-Grasbeck syndrome. Also called: Imerslund-Gräsbeck syndrome; ENTEROCYTE COBALAMIN MALABSORPTION; ENTEROCYTE INTRINSIC FACTOR RECEPTOR, DEFECT OF; PERNICIOUS ANEMIA, JUVENILE, DUE TO SELECTIVE INTESTINAL MALABSORPTION OF VITAMIN B12, WITH PROTEINURIA; Megaloblastic anemia due to inborn errors of metabolism. Identifiers: Orphanet 35858, MedGen C4551825, MONDO:0009853.

Allele frequency attached by ClinVar (database versions not stated): TOPMed below 0.00001; gnomAD 0.00001.
gnomAD v4.1: 7 of 1,613,754 alleles (0.00043%); highest among the groups gnomAD compares: Middle Eastern, 0.017%; no homozygotes.

Submission:

Labcorp Genetics (formerly Invitae), Labcorp
Classification: Uncertain significance for Imerslund-Grasbeck syndrome. Last evaluated: 2024-10-22. Review status: criteria provided, single submitter. Criteria: Invitae Variant Classification Sherloc (09022015). Collection method: clinical testing. Allele origin: germline.
Comment: This sequence change replaces arginine, which is basic and polar, with histidine, which is basic and polar, at codon 1547 of the CUBN protein (p.Arg1547His). This variant is present in population databases (no rsID available, gnomAD 0.003%). This variant has not been reported in the literature in individuals affected with CUBN-related conditions. ClinVar contains an entry for this variant (Variation ID: 2414459). Invitae Evidence Modeling of protein sequence and biophysical properties (such as structural, functional, and spatial information, amino acid conservation, physicochemical variation, residue mobility, and thermodynamic stability) indicates that this missense variant is not expected to disrupt CUBN protein function with a negative predictive value of 80%. In summary, the available evidence is currently insufficient to determine the role of this variant in disease. Therefore, it has been classified as a Variant of Uncertain Significance.

NM_001081.4(CUBN):c.4640G>A (p.Arg1547His)

Gene: CUBN (cubilin; minus strand). Cytogenetic location: 10p13.
Variant type: single nucleotide variant.
Coding change: c.4640G>A on transcript NM_001081.4 (MANE Select); coding-DNA position 4640, G replaced by A.
Protein change: p.Arg1547His; replaces arginine 1547 with histidine.
Molecular consequence: missense variant.
Genome position (GRCh38, 1-based): chr10:16,982,539, C>T on the plus strand (G>A on the coding strand, the complement: CUBN is on the minus strand). VCF-style: chr10-16982539-C-T. GRCh37 (hg19) VCF-style: chr10-17024538-C-T.
Other names: short protein forms R1547H.
Identifiers: ClinVar variation 2414459 (VCV002414459.5), dbSNP rs1182910162, ClinGen allele CA376142958.